The following is an entry in ClinVar:

NM_001256715.2(DNAAF3):c.890C>G (p.Thr297Arg)

Genes: DNAAF3 (dynein axonemal assembly factor 3; minus strand), DNAAF3-AS1 (DNAAF3 antisense RNA 1; plus strand). Cytogenetic location: 19q13.42.
Variant type: single nucleotide variant.
Coding change: c.890C>G on transcript NM_001256715.2 (MANE Select); coding-DNA position 890, C replaced by G.
Protein change: p.Thr297Arg; replaces threonine 297 with arginine.
Molecular consequence: missense variant.
Genome position (GRCh38, 1-based): chr19:55,161,087, G>C on the plus strand (C>G on the coding strand, the complement: DNAAF3 is on the minus strand). VCF-style: chr19-55161087-G-C. GRCh37 (hg19) VCF-style: chr19-55672455-G-C.
Other names: c.1094C>G, p.Thr365Arg (NM_001256714.1); c.728C>G, p.Thr243Arg (NM_001256716.2); c.1031C>G, p.Thr344Arg (NM_178837.4); short protein forms T344R, T365R, T297R, T243R.
Identifiers: ClinVar variation 3502897 (VCV003502897.1).
Genomic context (GRCh38, chr19:55,161,087, plus strand): 5'-GCCCCACCTCTACCCCCAGTCCCAGCCTCGCCGCGCACCTTGACTGGCTGGCCGTTGCTC[G>C]TCCGCAGGAGGCTCTCGTCGTCCGCTTCGATGCCGAAGGCCACGAAGGGCCCCGTGGCGA-3'
Protein context (NP_001243644.1, residues 287-307): IEADDESLLR[Thr297Arg]SNGQPVKTAG

ClinVar aggregate classification (germline): Uncertain significance (1 of 4 stars; one submission).

Conditions:
Primary ciliary dyskinesia. Also called: Ciliary dyskinesia. Identifiers: Orphanet 244, MedGen C0008780, MONDO:0016575, HP:0012265.

gnomAD v4.1: 7 of 1,542,270 alleles (0.00045%); highest among the groups gnomAD compares: African/African-American, 0.0082%; no homozygotes.

Submission:

Ambry Genetics
Classification: Uncertain significance for Primary ciliary dyskinesia. Last evaluated: 2024-11-10. Review status: criteria provided, single submitter. Criteria: Ambry Variant Classification Scheme 2023. Collection method: clinical testing. Allele origin: germline.
Comment: The p.T365R variant (also known as c.1094C>G), located in coding exon 8 of the DNAAF3 gene, results from a C to G substitution at nucleotide position 1094. The threonine at codon 365 is replaced by arginine, an amino acid with similar properties. This amino acid position is conserved. In addition, this alteration is predicted to be tolerated by in silico analysis. Based on the available evidence, the clinical significance of this variant remains unclear.